The following is an entry in ClinVar:

NM_152393.4(KLHL40):c.355A>G (p.Ile119Val)

Gene: KLHL40 (kelch like family member 40; plus strand). Cytogenetic location: 3p22.1.
Variant type: single nucleotide variant.
Coding change: c.355A>G on transcript NM_152393.4 (MANE Select); coding-DNA position 355, A replaced by G.
Protein change: p.Ile119Val; replaces isoleucine 119 with valine.
Molecular consequence: missense variant.
Genome position (GRCh38, 1-based): chr3:42,685,973, A>G. VCF-style: chr3-42685973-A-G. GRCh37 (hg19) VCF-style: chr3-42727465-A-G.
Other names: p.Ile119Val; c.355A>G (NM_152393.2, NM_152393.3); short protein forms I119V.
Identifiers: ClinVar variation 1061045 (VCV001061045.7), dbSNP rs1245898945, ClinGen allele CA352289204.

ClinVar aggregate classification (germline): Uncertain significance. Review status: criteria provided, multiple submitters, no conflicts (2 of 4 stars). 3 submissions from 3 submitters: Uncertain significance (3). Last evaluated 2025-10-14.

Conditions:
Nemaline myopathy 8 (NEM8). Also called: Nemaline myopathy 8, autosomal recessive. Identifiers: Orphanet 171430, MedGen C3809209, MONDO:0014138, OMIM 615348.
Inborn genetic diseases. Identifiers: MedGen C0950123, MeSH D030342.

Allele frequency attached by ClinVar (database versions not stated): gnomAD exomes 0.00003 and 0.00002; TOPMed 0.00012; gnomAD 0.00006.

Submissions (3):

Ambry Genetics
Classification: Uncertain significance for Inborn genetic diseases. Last evaluated: 2025-10-14. Review status: criteria provided, single submitter. Criteria: Ambry Variant Classification Scheme 2023. Collection method: clinical testing. Allele origin: germline.

Labcorp Genetics (formerly Invitae), Labcorp
Classification: Uncertain significance for Nemaline myopathy 8. Last evaluated: 2024-07-27. Review status: criteria provided, single submitter. Criteria: Invitae Variant Classification Sherloc (09022015). Collection method: clinical testing. Allele origin: germline.
Comment: This sequence change replaces isoleucine, which is neutral and non-polar, with valine, which is neutral and non-polar, at codon 119 of the KLHL40 protein (p.Ile119Val). This variant is present in population databases (no rsID available, gnomAD 0.02%). This variant has not been reported in the literature in individuals affected with KLHL40-related conditions. ClinVar contains an entry for this variant (Variation ID: 1061045). Advanced modeling of protein sequence and biophysical properties (such as structural, functional, and spatial information, amino acid conservation, physicochemical variation, residue mobility, and thermodynamic stability) performed at Invitae indicates that this missense variant is not expected to disrupt KLHL40 protein function with a negative predictive value of 80%. In summary, the available evidence is currently insufficient to determine the role of this variant in disease. Therefore, it has been classified as a Variant of Uncertain Significance.

Mayo Clinic Laboratories, Mayo Clinic
Classification: Uncertain significance. Last evaluated: 2022-09-30. Review status: criteria provided, single submitter. Criteria: ACMG Guidelines, 2015. Collection method: clinical testing. Allele origin: germline. Observed: 1 variant allele.
Comment: BP4